The following is an entry in ClinVar:

ClinVar aggregate classification (germline): Likely benign (1 of 4 stars; one submission).

Allele frequency attached by ClinVar (database versions not stated): gnomAD 0.00002 and 0.00004; TOPMed 0.00007; 1000 Genomes Project 30x 0.00016; 1000 Genomes Project 0.00020.
gnomAD v4.1: 40 of 1,613,410 alleles (0.0025%); highest among the groups gnomAD compares: East Asian, 0.076%; no homozygotes.

Submission:

GeneDx
Classification: Likely benign. Last evaluated: 2017-07-20. Review status: criteria provided, single submitter. Criteria: GeneDx Variant Classification (06012015). Collection method: clinical testing. Allele origin: germline. Affected: yes.
Comment: This variant is considered likely benign or benign based on one or more of the following criteria: it is a conservative change, it occurs at a poorly conserved position in the protein, it is predicted to be benign by multiple in silico algorithms, and/or has population frequency not consistent with disease.

NM_005005.3(NDUFB9):c.-31C>T

Gene: NDUFB9 (NADH:ubiquinone oxidoreductase subunit B9; plus strand). Cytogenetic location: 8q24.13.
Variant type: single nucleotide variant.
Coding change: c.-31C>T on transcript NM_005005.3 (MANE Select); 31 bases upstream of the start codon, C replaced by T.
Molecular consequence: 5 prime UTR variant.
Genome position (GRCh38, 1-based): chr8:124,539,156, C>T. VCF-style: chr8-124539156-C-T. GRCh37 (hg19) VCF-style: chr8-125551397-C-T.
Other names: c.-164C>T (NM_001278645.2); c.-158C>T (NM_001278646.2); c.-31C>T (NM_001311168.2).
Identifiers: ClinVar variation 516379 (VCV000516379.1), dbSNP rs534646199, ClinGen allele CA4871405.
Genomic context (GRCh38, chr8:124,539,156, plus strand): 5'-ACTCCGCCCTTCCGGCTGGCCCCGCTCAGTCACCCGCAGCAGGCGTGCAGTTTCCCGGCT[C>T]TCCGCGCGGCCGGGGAAGGTCAGCGCCGTAATGGCGTTCTTGGCGTCGGGACCCTACCTG-3'